The following is an entry in ClinVar:

ClinVar aggregate classification (germline): Uncertain significance (1 of 4 stars; one submission).

Conditions:
Muscular dystrophy-dystroglycanopathy (congenital with impaired intellectual development), type B, 1. Also called: Muscular dystrophy-dystroglycanopathy (congenital with intellectual disability), type B1; MUSCULAR DYSTROPHY, CONGENITAL, POMT1-RELATED. Identifiers: MedGen C5436962, MONDO:0013159, OMIM 613155.
Walker-Warburg congenital muscular dystrophy. Also called: Muscular dystrophy-dystroglycanopathy, type A; Walker-Warburg syndrome. Identifiers: Orphanet 899, MedGen C0265221, MONDO:0000171.
Autosomal recessive limb-girdle muscular dystrophy type 2K. Also called: MUSCULAR DYSTROPHY-DYSTROGLYCANOPATHY (LIMB-GIRDLE), TYPE C, 1; MUSCULAR DYSTROPHY, LIMB-GIRDLE, TYPE 2K. Identifiers: Orphanet 86812, MedGen C1836373, MONDO:0012248, OMIM 609308.

Allele frequency attached by ClinVar (database versions not stated): gnomAD 0.00001; gnomAD exomes 0.00001; TOPMed 0.00001.
gnomAD v4.1: 5 of 1,613,842 alleles (0.00031%); highest among the groups gnomAD compares: Non-Finnish European, 0.00034%; no homozygotes.

Submission:

Labcorp Genetics (formerly Invitae), Labcorp
Classification: Uncertain significance for Muscular dystrophy-dystroglycanopathy (congenital with impaired intellectual development), type B, 1; Walker-Warburg congenital muscular dystrophy; Autosomal recessive limb-girdle muscular dystrophy type 2K. Last evaluated: 2022-08-07. Review status: criteria provided, single submitter. Criteria: Invitae Variant Classification Sherloc (09022015). Collection method: clinical testing. Allele origin: germline.
Comment: In summary, the available evidence is currently insufficient to determine the role of this variant in disease. Therefore, it has been classified as a Variant of Uncertain Significance. Algorithms developed to predict the effect of missense changes on protein structure and function are either unavailable or do not agree on the potential impact of this missense change (SIFT: "Tolerated"; PolyPhen-2: "Possibly Damaging"; Align-GVGD: "Class C0"). This variant has not been reported in the literature in individuals affected with POMT1-related conditions. This variant is present in population databases (no rsID available, gnomAD 0.01%). This sequence change replaces leucine, which is neutral and non-polar, with phenylalanine, which is neutral and non-polar, at codon 462 of the POMT1 protein (p.Leu462Phe).

NM_001077365.2(POMT1):c.1318C>T (p.Leu440Phe)

Gene: POMT1 (protein O-mannosyltransferase 1; plus strand). Cytogenetic location: 9q34.13.
Variant type: single nucleotide variant.
Coding change: c.1318C>T on transcript NM_001077365.2 (MANE Select); coding-DNA position 1318, C replaced by T.
Protein change: p.Leu440Phe; replaces leucine 440 with phenylalanine.
Molecular consequence: missense variant. On other transcripts: non-coding transcript variant (10).
Genome position (GRCh38, 1-based): chr9:131,518,490, C>T. VCF-style: chr9-131518490-C-T. GRCh37 (hg19) VCF-style: chr9-134393877-C-T.
Other names: c.1156C>T, p.Leu386Phe (NM_001077366.2, NM_001353194.2); c.1318C>T, p.Leu440Phe (NM_001136113.2, NM_001374690.1); c.967C>T, p.Leu323Phe (NM_001136114.2, NM_001353195.2, NM_001374691.1 and 2 more transcripts); c.1384C>T, p.Leu462Phe (NM_001353193.2, NM_007171.4); c.1228C>T, p.Leu410Phe (NM_001353196.2); c.1222C>T, p.Leu408Phe (NM_001353197.2, NM_001353198.2); c.1033C>T, p.Leu345Phe (NM_001353199.2); c.862C>T, p.Leu288Phe (NM_001353200.2); and 3 more; short protein forms L288F, L386F, L408F, L436F, L63F, L310F, L345F, L440F.
Identifiers: ClinVar variation 2072723 (VCV002072723.4), dbSNP rs1030768604, ClinGen allele CA200794898.